The following is an entry in ClinVar:

NM_018095.6(KBTBD4):c.936_937insGGG (p.Arg312_Arg313insGly)

Gene: KBTBD4 (kelch repeat and BTB domain containing 4; minus strand). Cytogenetic location: 11p11.2.
Variant type: Insertion.
Coding change: c.936_937insGGG on transcript NM_018095.6 (MANE Select); coding-DNA positions 936 to 937, GGG inserted.
Protein change: p.Arg312_Arg313insGly.
Genome position: GRCh38 VCF-style: chr11-47573598-G-GCCC. GRCh37 (hg19) VCF-style: chr11-47595150-G-GCCC.
Other names: c.1035_1036insGGG, p.Arg345_Arg346insGly (NM_001318716.2); c.1005_1006insGGG, p.Arg335_Arg336insGly (NM_001318717.2); c.963_964insGGG, p.Arg321_Arg322insGly (NM_001318718.2, NM_001318719.2); c.957_958insGGG, p.Arg319_Arg320insGly (NM_001318720.2); c.888_889insGGG, p.Arg296_Arg297insGly (NM_001318721.2, NM_001318722.2, NM_001318723.2 and 3 more transcripts).
Identifiers: ClinVar variation 4530470 (VCV004530470.1).

ClinVar aggregate classification (somatic clinical impact): Tier I - Strong (1 of 4 stars; one submission).

Conditions:
Medulloblastoma non-WNT/non-SHH. Identifiers: MedGen C4330667, MONDO:0850198.

Submission:

Institute for Genomic Medicine (IGM) Clinical Laboratory, Nationwide Children's Hospital
Classification: Tier I - Strong for Medulloblastoma non-WNT/non-SHH. Assertion type: diagnostic. Clinical significance: supports diagnosis. Last evaluated: 2023-06-01. Review status: criteria provided, single submitter. Criteria: AMP/ASCO/CAP Guidelines, 2017. Collection method: clinical testing. Allele origin: somatic. Affected: yes.
Comment: Variant has Tier I (strong) clinical significance as a diagnostic inclusion criterion in medulloblastoma non-WNT/non-SHH, based on the following evidence: 1) Documented in one or more cancer databases (e.g., St. Jude Pecan, COSMIC, CIViC, OncoKB). 2) Appears in one or more well-established professional guidelines (e.g., World Health Organization [WHO]; National Comprehensive Cancer Network [NCCN]) as providing diagnostic, prognostic, or therapeutic information. 3) Diagnostic for a specific tumor type/classification based on well-powered studies with expert-level consensus (Evidence Level B; PMIDs: 28726821, 33172502).

Literature cited by the submitters: PubMed 28726821; PubMed 33172502.